The following is an entry in ClinVar:

NM_138694.4(PKHD1):c.9727del (p.Ile3243fs)

Gene: PKHD1 (PKHD1 ciliary IPT domain containing fibrocystin/polyductin; minus strand). Cytogenetic location: 6p12.3.
Variant type: Deletion.
Coding change: c.9727del on transcript NM_138694.4 (MANE Select); coding-DNA position 9727, one base deleted (A; older notation c.9727delA).
Protein change: p.Ile3243fs; shifts the reading frame from isoleucine 3243.
Molecular consequence: frameshift variant.
Genome position (GRCh38, 1-based): chr6:51,747,889, T deleted on the plus strand (A on the coding strand, the reverse complement: PKHD1 is on the minus strand). VCF-style (leftmost placement, unchanged base first): chr6-51747888-AT-A. GRCh37 (hg19) VCF-style: chr6-51612686-AT-A.
Other names: c.9727del, p.Ile3243fs (NM_170724.3); c.9727delA (NM_138694.3); short protein forms I3243fs.
Identifiers: ClinVar variation 591918 (VCV000591918.13), dbSNP rs1562221540, ClinGen allele CA891862704.

ClinVar aggregate classification (germline): Pathogenic/Likely pathogenic. Review status: criteria provided, multiple submitters, no conflicts (2 of 4 stars). 6 submissions from 6 submitters: Pathogenic (2); Likely pathogenic (2). 2 of the submissions do not count toward it. Last evaluated 2024-12-13.

Conditions:
PKHD1-related disorder. Also called: PKHD1-related condition.
Polycystic kidney disease 4 (PKD4). Also called: Autosomal Recessive Polycystic Kidney Disease – PKHD1; POLYCYSTIC KIDNEY DISEASE 4 WITH OR WITHOUT POLYCYSTIC LIVER DISEASE; POLYCYSTIC KIDNEY AND HEPATIC DISEASE 1; POLYCYSTIC KIDNEY DISEASE, INFANTILE, TYPE I; PKD3. Identifiers: MedGen C4540575, MONDO:0033004, OMIM 263200.
Autosomal recessive polycystic kidney disease (ARPKD). Also called: AR polycystic kidney disease. Identifiers: Orphanet 731, Orphanet 8378, MedGen C0085548, MeSH D017044, MONDO:0009889.

Submissions (6):

Natera, Inc.
Classification: Likely pathogenic for Autosomal recessive polycystic kidney disease. Last evaluated: 2024-12-13. Review status: criteria provided, single submitter. Criteria: Natera Variant Classification Schema (03/2026). Collection method: clinical testing. Allele origin: germline.
Comment: The c.9727delA variant in PKHD1 is a frameshift variant predicted to shift the reading frame beginning at codon 3243 and leads to a stop codon 21 codons downstream. This variant is expected to result in nonsense mediated decay, truncation, or a dysfunctional protein product. This variant is rare in the general population with a frequency below the threshold expected for the associated phenotype(s). Given the available evidence, this variant is classified as Likely Pathogenic.

Labcorp Genetics (formerly Invitae), Labcorp
Classification: Pathogenic for Autosomal recessive polycystic kidney disease. Last evaluated: 2024-03-06. Review status: criteria provided, single submitter. Criteria: Invitae Variant Classification Sherloc (09022015). Collection method: clinical testing. Allele origin: germline.
Comment: This sequence change creates a premature translational stop signal (p.Ile3243Phefs*21) in the PKHD1 gene. It is expected to result in an absent or disrupted protein product. Loss-of-function variants in PKHD1 are known to be pathogenic (PMID: 19940839). This variant is not present in population databases (gnomAD no frequency). This variant has not been reported in the literature in individuals affected with PKHD1-related conditions. ClinVar contains an entry for this variant (Variation ID: 591918). For these reasons, this variant has been classified as Pathogenic.

Fulgent Genetics
Classification: Likely pathogenic for Polycystic kidney disease 4. Last evaluated: 2024-01-24. Review status: criteria provided, single submitter. Criteria: ACMG Guidelines, 2015. Collection method: clinical testing. Allele origin: germline.

Baylor Genetics
Classification: Pathogenic for Polycystic kidney disease 4. Last evaluated: 2024-01-20. Review status: criteria provided, single submitter. Criteria: ACMG Guidelines, 2015. Collection method: clinical testing. Allele origin: unknown.

PreventionGenetics, part of Exact Sciences
Classification: Pathogenic for PKHD1-related condition. Last evaluated: 2024-09-11. Review status: no assertion criteria provided. Collection method: clinical testing. Allele origin: germline. Not counted in ClinVar's aggregate classification.
Comment: The PKHD1 c.9727delA variant is predicted to result in a frameshift and premature protein termination (p.Ile3243Phefs*21). This variant has been reported in individual(s) with autosomal recessive polycystic kidney disease (see for example, Table S3. Burgmaier et al 2021. PubMed ID: 33940108). This variant has not been reported in a large population database, indicating this variant is rare. Frameshift variants in PKHD1 are expected to be pathogenic. This variant is interpreted as pathogenic.

Gharavi Laboratory, Columbia University
Classification: Uncertain significance. Last evaluated: 2018-09-16. Review status: no assertion criteria provided. Criteria: ACMG Guidelines, 2015. Collection method: research. Allele origin: germline. Affected: yes. Not counted in ClinVar's aggregate classification.

Literature cited by the submitters: PubMed 19940839 (cited by Labcorp Genetics (formerly Invitae), Labcorp).